The following is an entry in ClinVar:

ClinVar aggregate classification (germline): Uncertain significance (1 of 4 stars; one submission).

Conditions:
Developmental and epileptic encephalopathy, 11 (DEE11). Also called: Early infantile epileptic encephalopathy 11. Identifiers: Orphanet 1934, MedGen C3150987, MONDO:0013388, OMIM 613721.
Seizures, benign familial infantile, 3 (BFIS3). Also called: Familial neonatal seizures; CONVULSIONS, BENIGN FAMILIAL INFANTILE, 3. Identifiers: Orphanet 140927, Orphanet 306, MedGen C1843140, MONDO:0011904, OMIM 607745.

Submission:

Labcorp Genetics (formerly Invitae), Labcorp
Classification: Uncertain significance for Seizures, benign familial infantile, 3; Developmental and epileptic encephalopathy, 11. Last evaluated: 2025-06-16. Review status: criteria provided, single submitter. Criteria: Invitae Variant Classification Sherloc (09022015). Collection method: clinical testing. Allele origin: germline.
Comment: This sequence change replaces serine, which is neutral and polar, with tyrosine, which is neutral and polar, at codon 487 of the SCN2A protein (p.Ser487Tyr). This variant is not present in population databases (gnomAD no frequency). This variant has not been reported in the literature in individuals affected with SCN2A-related conditions. ClinVar contains an entry for this variant (Variation ID: 1472772). Invitae Evidence Modeling of protein sequence and biophysical properties (such as structural, functional, and spatial information, amino acid conservation, physicochemical variation, residue mobility, and thermodynamic stability) indicates that this missense variant is expected to disrupt SCN2A protein function with a positive predictive value of 95%. In summary, the available evidence is currently insufficient to determine the role of this variant in disease. Therefore, it has been classified as a Variant of Uncertain Significance.

NM_001040142.2(SCN2A):c.1460C>A (p.Ser487Tyr)

Gene: SCN2A (sodium voltage-gated channel alpha subunit 2; plus strand). Cytogenetic location: 2q24.3.
Variant type: single nucleotide variant.
Coding change: c.1460C>A on transcript NM_001040142.2 (MANE Select); coding-DNA position 1460, C replaced by A.
Protein change: p.Ser487Tyr; replaces serine 487 with tyrosine.
Molecular consequence: missense variant.
Genome position (GRCh38, 1-based): chr2:165,315,547, C>A. VCF-style: chr2-165315547-C-A. GRCh37 (hg19) VCF-style: chr2-166172057-C-A.
Other names: c.1460C>A, p.Ser487Tyr (NM_001040143.2, NM_001371246.1, NM_001371247.1 and 1 more transcripts); short protein forms S487Y.
Identifiers: ClinVar variation 1472772 (VCV001472772.8), dbSNP rs1697697157, ClinGen allele CA349022921.